The following is an entry in ClinVar:

NM_025077.4(TOE1):c.922T>G (p.Trp308Gly)

Gene: TOE1 (target of EGR1, exonuclease; plus strand). Cytogenetic location: 1p34.1.
Variant type: single nucleotide variant.
Coding change: c.922T>G on transcript NM_025077.4 (MANE Select); coding-DNA position 922, T replaced by G.
Protein change: p.Trp308Gly; replaces tryptophan 308 with glycine.
Molecular consequence: missense variant.
Genome position (GRCh38, 1-based): chr1:45,343,091, T>G. VCF-style: chr1-45343091-T-G. GRCh37 (hg19) VCF-style: chr1-45808763-T-G.
Other names: short protein forms W308G.
Identifiers: ClinVar variation 4887981 (VCV004887981.1).

ClinVar aggregate classification (germline): VUS-high (1 of 4 stars; one submission).

Conditions:
Pontocerebellar hypoplasia type 7. Identifiers: Orphanet 284339, MedGen C3554226, MONDO:0013993, OMIM 614969.

Submission:

Center for Human Genetics and Genomic Medicine, Uniklinik Rwth Aachen
Classification: VUS-high for Pontocerebellar hypoplasia type 7. Last evaluated: 2026-07-27. Review status: criteria provided, single submitter. Criteria: ACMG Guidelines, 2015. Collection method: clinical testing. Allele origin: paternal. Inheritance: Autosomal recessive inheritance. Affected: yes. Observed: 1 variant allele, 1 heterozygote.
Comment: The variant is absent from large population studies (PM2_sup). Bioinformatic prediction tools indicate pathogenicity (PP3). Missense variants in TOE1 are known to be disease-causing (PP2). The variant was detected in trans of a likely pathogenic variant (PM3).